The following is an entry in ClinVar:

NM_015166.4(MLC1):c.943C>T (p.Gln315Ter)

Gene: MLC1 (modulator of VRAC current 1; minus strand). Cytogenetic location: 22q13.33.
Variant type: single nucleotide variant.
Coding change: c.943C>T on transcript NM_015166.4 (MANE Select); coding-DNA position 943, C replaced by T.
Protein change: p.Gln315Ter; replaces glutamine 315 with a stop codon.
Molecular consequence: nonsense. On other transcripts: non-coding transcript variant (3).
Genome position (GRCh38, 1-based): chr22:50,064,150, G>A on the plus strand (C>T on the coding strand, the complement: MLC1 is on the minus strand). VCF-style: chr22-50064150-G-A. GRCh37 (hg19) VCF-style: chr22-50502579-G-A.
Other names: c.943C>T, p.Gln315Ter (NM_001376472.1, NM_001376473.1, NM_001376474.1 and 5 more transcripts); c.886C>T, p.Gln296Ter (NM_001376479.1); c.853C>T, p.Gln285Ter (NM_001376480.1); c.841C>T, p.Gln281Ter (NM_001376481.1); c.787C>T, p.Gln263Ter (NM_001376482.1, NM_001376483.1); c.706C>T, p.Gln236Ter (NM_001376484.1); short protein forms Q315*, Q236*, Q263*, Q281*, Q285*, Q296*.
Identifiers: ClinVar variation 620427 (VCV000620427.5), dbSNP rs1569242061, ClinGen allele CA412106136.

ClinVar aggregate classification (germline): Likely pathogenic. Review status: criteria provided, multiple submitters, no conflicts (2 of 4 stars). 4 submissions from 4 submitters: Likely pathogenic (4). Last evaluated 2025-03-22.

Conditions:
Megalencephalic leukoencephalopathy with subcortical cysts 1 (MLC1). Also called: LEUKOENCEPHALOPATHY WITH SWELLING AND CYSTS; VACUOLATING MEGALENCEPHALIC LEUKOENCEPHALOPATHY WITH SUBCORTICAL CYSTS. Identifiers: Orphanet 2478, MedGen C5779875, MONDO:0024555, OMIM 604004.
Megalencephalic leukoencephalopathy with subcortical cysts. Also called: VAN DER KNAAP DISEASE. Identifiers: Orphanet 2478, MedGen C1858854, MONDO:0011391.

Submissions (4):

Natera, Inc.
Classification: Likely pathogenic for Megalencephalic leukoencephalopathy with subcortical cysts. Last evaluated: 2025-03-22. Review status: criteria provided, single submitter. Criteria: Natera Variant Classification Schema (03/2026). Collection method: clinical testing. Allele origin: germline.
Comment: The c.943C>T variant in MLC1 is a nonsense variant predicted to introduce a stop codon at amino acid 315. This variant is expected to result in nonsense mediated decay, truncation, or a dysfunctional protein product. This variant is rare in the general population with a frequency below the threshold expected for the associated phenotype(s). Given the available evidence, this variant is classified as Likely Pathogenic.

Fulgent Genetics
Classification: Likely pathogenic for Megalencephalic leukoencephalopathy with subcortical cysts 1. Last evaluated: 2024-03-24. Review status: criteria provided, single submitter. Criteria: ACMG Guidelines, 2015. Collection method: clinical testing. Allele origin: germline.

Baylor Genetics
Classification: Likely pathogenic for Megalencephalic leukoencephalopathy with subcortical cysts 1. Last evaluated: 2023-12-15. Review status: criteria provided, single submitter. Criteria: ACMG Guidelines, 2015. Collection method: clinical testing. Allele origin: unknown.

GeneDx
Classification: Likely pathogenic. Last evaluated: 2018-10-25. Review status: criteria provided, single submitter. Criteria: GeneDx Variant Classification (06012015). Collection method: clinical testing. Allele origin: germline. Affected: yes.
Comment: The Q315X variant in the MLC1 gene has not been reported previously as a pathogenic variant nor as a benign variant, to our knowledge. This variant is predicted to cause loss of normal protein function either through protein truncation or nonsense-mediated mRNA decay. The Q315X variant is not observed in large population cohorts (Lek et al., 2016). We interpret Q315X as a likely pathogenic variant.